The following is an entry in ClinVar:

NC_000004.11:g.(?_121616266)_(121742520_?)del

Gene: PRDM5 (PR/SET domain 5; minus strand). Cytogenetic location: 4q27.
Variant type: Deletion.
Identifiers: ClinVar variation 2426485 (VCV002426485.4).

ClinVar aggregate classification (germline): Pathogenic (1 of 4 stars; one submission).

Submission:

Labcorp Genetics (formerly Invitae), Labcorp
Classification: Pathogenic. Last evaluated: 2021-11-19. Review status: criteria provided, single submitter. Criteria: Invitae Variant Classification Sherloc (09022015). Collection method: clinical testing. Allele origin: germline.
Comment: This variant has not been reported in the literature in individuals affected with PRDM5-related conditions. For these reasons, this variant has been classified as Pathogenic. This variant disrupts a region of the PRDM5 protein in which other variant(s) (exons 9-14 (p.Glu316_Arg541del)) have been determined to be pathogenic (PMID: 21664999). This suggests that this is a clinically significant region of the protein, and that variants that disrupt it are likely to be disease-causing. This variant is a gross deletion of the genomic region encompassing exon(s) 4-16 of the PRDM5 gene, which includes the termination codon. This deletion extends beyond the assayed region for this gene and therefore may encompass additional genes. While this deletion is not anticipated to lead to nonsense mediated decay, it is expected to alter mRNA translation or result in a truncated protein product.

Literature cited by the submitters: PubMed 21664999.